The following is an entry in ClinVar:

ClinVar aggregate classification (germline): Uncertain significance. Review status: criteria provided, multiple submitters, no conflicts (2 of 4 stars). 2 submissions from 2 submitters: Uncertain significance (2). Last evaluated 2025-08-08.

Conditions:
Inborn genetic diseases. Identifiers: MedGen C0950123, MeSH D030342.

Submissions (2):

Ambry Genetics
Classification: Uncertain significance for Inborn genetic diseases. Last evaluated: 2025-08-08. Review status: criteria provided, single submitter. Criteria: Ambry Variant Classification Scheme 2023. Collection method: clinical testing. Allele origin: germline.
Comment: The c.5154-5T>G intronic alteration results from a T to G substitution 5 nucleotides before exon 39 (coding exon 38) of the CHD2 gene. This variant was not reported in population-based cohorts in the Genome Aggregation Database (gnomAD). This nucleotide position is highly conserved in available vertebrate species. RNA studies were unable to detect abnormal splicing in the set of samples tested (Ambry internal data). In silico splice site analysis predicts that this alteration will weaken the native splice acceptor site. Based on insufficient or conflicting evidence, the clinical significance of this alteration remains unclear.

GeneDx
Classification: Uncertain significance. Last evaluated: 2024-04-24. Review status: criteria provided, single submitter. Criteria: GeneDx Variant Classification Process June 2021. Collection method: clinical testing. Allele origin: germline. Affected: yes.
Comment: Not observed at significant frequency in large population cohorts (gnomAD); In silico analysis supports a deleterious effect on splicing; Has not been previously published as pathogenic or benign to our knowledge

NM_001271.4(CHD2):c.5154-5T>G

Gene: CHD2 (chromodomain helicase DNA binding protein 2; plus strand). Cytogenetic location: 15q26.1.
Variant type: single nucleotide variant.
Coding change: c.5154-5T>G on transcript NM_001271.4 (MANE Select); 5 bases into the intron before coding-DNA position 5154, T replaced by G.
Molecular consequence: intron variant.
Genome position (GRCh38, 1-based): chr15:93,024,367, T>G. VCF-style: chr15-93024367-T-G. GRCh37 (hg19) VCF-style: chr15-93567597-T-G.
Other names: c.5154-5T>G (NM_001271.3).
Identifiers: ClinVar variation 3372765 (VCV003372765.3).
Genomic context (GRCh38, chr15:93,024,367, plus strand): 5'-AGTGAAGAGAAGTGGATGGGAATCTGGCTTCAGTCTTTCGACTAATCCTTGCATCTCTAT[T>G]TCAGGCACCATCATGACTCCAAGCGGAGGAGATCCGATGAATTTAGGCCTCAAAATTACC-3'